The following is an entry in ClinVar:

NM_000834.5(GRIN2B):c.2618A>G (p.His873Arg)

Gene: GRIN2B (glutamate ionotropic receptor NMDA type subunit 2B; minus strand). Cytogenetic location: 12p13.1.
Variant type: single nucleotide variant.
Coding change: c.2618A>G on transcript NM_000834.5 (MANE Select); coding-DNA position 2618, A replaced by G.
Protein change: p.His873Arg; replaces histidine 873 with arginine.
Molecular consequence: missense variant.
Genome position (GRCh38, 1-based): chr12:13,564,620, T>C on the plus strand (A>G on the coding strand, the complement: GRIN2B is on the minus strand). VCF-style: chr12-13564620-T-C. GRCh37 (hg19) VCF-style: chr12-13717554-T-C.
Other names: c.2618A>G, p.His873Arg (NM_001413992.1); short protein forms H873R.
Identifiers: ClinVar variation 4992058 (VCV004992058.1).

ClinVar aggregate classification (germline): Uncertain significance (1 of 4 stars; one submission).

Conditions:
GRIN2B-related disorder. Also called: GRIN2B-related condition.

gnomAD v4.1: 1 of 1,613,654 alleles (0.000062%); highest among the groups gnomAD compares: African/African-American, 0.0013%; no homozygotes.

Submission:

PreventionGenetics, part of Exact Sciences
Classification: Uncertain significance for GRIN2B-related condition. Last evaluated: 2026-07-27. Review status: criteria provided, single submitter. Criteria: ACMG Guidelines, 2015. Collection method: clinical testing. Allele origin: germline.
Comment: The GRIN2B c.2618A>G variant is predicted to result in the amino acid substitution p.His873Arg. To our knowledge, this variant has not been reported in the literature. This variant is reported in 0.0065% of alleles in individuals of African descent in gnomAD. At this time, the clinical significance of this variant is uncertain due to the absence of conclusive functional and genetic evidence.